The following is an entry in ClinVar:

ClinVar aggregate classification (germline): Uncertain significance. Review status: criteria provided, multiple submitters, no conflicts (2 of 4 stars). 2 submissions from 2 submitters: Uncertain significance (2). Last evaluated 2025-04-25.

Conditions:
Inborn genetic diseases. Identifiers: MedGen C0950123, MeSH D030342.
Immunodeficiency 104. Also called: Severe Combined Immune Deficiency, Autosomal Recessive, TCell -Negative, B Cell-Positive, NK Cell-Positive, IL7R-Related; Severe combined immunodeficiency, autosomal recessive, T cell-negative, B cell-positive, NK cell-positive; IMMUNODEFICIENCY 104, SEVERE COMBINED; SCID, AUTOSOMAL RECESSIVE, T CELL-NEGATIVE, B CELL-POSITIVE, NK CELL-POSITIVE. Identifiers: MedGen C5676890, MONDO:0012163, OMIM 608971.

Allele frequency attached by ClinVar (database versions not stated): ExAC 0.00001.
gnomAD v4.1: 4 of 1,613,400 alleles (0.00025%); highest among the groups gnomAD compares: Admixed American, 0.005%; no homozygotes.

Submissions (2):

Ambry Genetics
Classification: Uncertain significance for Inborn genetic diseases. Last evaluated: 2025-04-25. Review status: criteria provided, single submitter. Criteria: Ambry Variant Classification Scheme 2023. Collection method: clinical testing. Allele origin: germline.

Labcorp Genetics (formerly Invitae), Labcorp
Classification: Uncertain significance for Immunodeficiency 104. Last evaluated: 2022-01-17. Review status: criteria provided, single submitter. Criteria: Invitae Variant Classification Sherloc (09022015). Collection method: clinical testing. Allele origin: germline.
Comment: This sequence change replaces alanine, which is neutral and non-polar, with valine, which is neutral and non-polar, at codon 76 of the IL7R protein (p.Ala76Val). This variant is present in population databases (rs755030275, gnomAD 0.006%). This variant has not been reported in the literature in individuals affected with IL7R-related conditions. Algorithms developed to predict the effect of missense changes on protein structure and function output the following: SIFT: "Tolerated"; PolyPhen-2: "Benign"; Align-GVGD: "Class C0". The valine amino acid residue is found in multiple mammalian species, which suggests that this missense change does not adversely affect protein function. In summary, the available evidence is currently insufficient to determine the role of this variant in disease. Therefore, it has been classified as a Variant of Uncertain Significance.

NM_002185.5(IL7R):c.227C>T (p.Ala76Val)

Gene: IL7R (interleukin 7 receptor; plus strand). Cytogenetic location: 5p13.2.
Variant type: single nucleotide variant.
Coding change: c.227C>T on transcript NM_002185.5 (MANE Select); coding-DNA position 227, C replaced by T.
Protein change: p.Ala76Val; replaces alanine 76 with valine.
Molecular consequence: missense variant. On other transcripts: non-coding transcript variant (1).
Genome position (GRCh38, 1-based): chr5:35,867,311, C>T. VCF-style: chr5-35867311-C-T. GRCh37 (hg19) VCF-style: chr5-35867413-C-T.
Other names: c.227C>T, p.Ala76Val (NM_001410734.1); short protein forms A76V.
Identifiers: ClinVar variation 2086983 (VCV002086983.2), dbSNP rs755030275, ClinGen allele CA3231890.